The following is an entry in ClinVar:

NM_145059.3(FCSK):c.104G>A (p.Arg35Gln)

Gene: FCSK (fucose kinase; plus strand). Cytogenetic location: 16q22.1.
Variant type: single nucleotide variant.
Coding change: c.104G>A on transcript NM_145059.3 (MANE Select); coding-DNA position 104, G replaced by A.
Protein change: p.Arg35Gln; replaces arginine 35 with glutamine.
Molecular consequence: missense variant.
Genome position (GRCh38, 1-based): chr16:70,463,644, G>A. VCF-style: chr16-70463644-G-A. GRCh37 (hg19) VCF-style: chr16-70497547-G-A.
Other names: short protein forms R35Q.
Identifiers: ClinVar variation 1915172 (VCV001915172.5), dbSNP rs888513535, ClinGen allele CA283459823.

ClinVar aggregate classification (germline): Uncertain significance (1 of 4 stars; one submission).

Allele frequency attached by ClinVar (database versions not stated): gnomAD exomes 0.00001; gnomAD 0.00002; TOPMed 0.00002.

Submission:

Labcorp Genetics (formerly Invitae), Labcorp
Classification: Uncertain significance. Last evaluated: 2023-11-27. Review status: criteria provided, single submitter. Criteria: Invitae Variant Classification Sherloc (09022015). Collection method: clinical testing. Allele origin: germline.
Comment: This sequence change replaces arginine, which is basic and polar, with glutamine, which is neutral and polar, at codon 35 of the FUK protein (p.Arg35Gln). This variant is present in population databases (no rsID available, gnomAD 0.01%). This variant has not been reported in the literature in individuals affected with FUK-related conditions. ClinVar contains an entry for this variant (Variation ID: 1915172). An algorithm developed to predict the effect of missense changes on protein structure and function (PolyPhen-2) suggests that this variant is likely to be disruptive. In summary, the available evidence is currently insufficient to determine the role of this variant in disease. Therefore, it has been classified as a Variant of Uncertain Significance.